The following is an entry in ClinVar:

NM_006005.3(WFS1):c.2627A>C (p.Lys876Thr)

Gene: WFS1 (wolframin ER transmembrane glycoprotein; plus strand). Cytogenetic location: 4p16.1.
Variant type: single nucleotide variant.
Coding change: c.2627A>C on transcript NM_006005.3 (MANE Select); coding-DNA position 2627, A replaced by C.
Protein change: p.Lys876Thr; replaces lysine 876 with threonine.
Molecular consequence: missense variant.
Genome position (GRCh38, 1-based): chr4:6,302,422, A>C. VCF-style: chr4-6302422-A-C. GRCh37 (hg19) VCF-style: chr4-6304149-A-C.
Other names: c.2627A>C, p.Lys876Thr (NM_001145853.1); short protein forms K876T.
Identifiers: ClinVar variation 281647 (VCV000281647.22), dbSNP rs144900514, ClinGen allele CA2839811.
Genomic context (GRCh38, chr4:6,302,422, plus strand): 5'-CCACCAGGCGGCACGTGAAGATCGAGCACGACTGGCGCAGCACCGTGCATGGCGCCGTGA[A>C]GTTCGCCTTCGACTTCTTTTTCTTCCCATTCCTGTCGGCGGCCTGAGGATGGTCCGCCAC-3'
Protein context (NP_005996.2, residues 866-886): DWRSTVHGAV[Lys876Thr]FAFDFFFFPF

ClinVar aggregate classification (germline): Conflicting classifications of pathogenicity. Review status: criteria provided, conflicting classifications (1 of 4 stars). 8 submissions from 8 submitters: Uncertain significance (4); Likely benign (2). 2 of the submissions do not count toward it. Last evaluated 2026-09-24.

Conditions:
Type 2 diabetes mellitus. Also called: Type II diabetes mellitus. Identifiers: MedGen C0011860, MeSH D003924, MONDO:0005148, OMIM 125853, HP:0005978.
WFS1-related disorder. Identifiers: MedGen CN379391, MONDO:0700293.

Allele frequency attached by ClinVar (database versions not stated): 1000 Genomes Project 30x 0.00016; ESP Exome Variant Server 0.00092; gnomAD 0.00045; TOPMed 0.00064.

Submissions (8):

GeneDx
Classification: Uncertain significance. Last evaluated: 2026-09-24. Review status: criteria provided, single submitter. Criteria: GeneDx Variant Classification Process June 2021. Collection method: clinical testing. Allele origin: germline.
Comment: In silico analysis supports that this missense variant has a deleterious effect on protein structure/function; Has not been previously published as pathogenic or benign to our knowledge

PreventionGenetics, part of Exact Sciences
Classification: Likely benign for WFS1-related condition. Last evaluated: 2026-01-13. Review status: criteria provided, single submitter. Criteria: ACMG Guidelines, 2015. Collection method: clinical testing. Allele origin: germline.
Comment: This variant is classified as likely benign based on ACMG/AMP sequence variant interpretation guidelines (Richards et al. 2015 PMID: 25741868, with internal and published modifications).

Labcorp Genetics (formerly Invitae), Labcorp
Classification: Likely benign. Last evaluated: 2025-08-22. Review status: criteria provided, single submitter. Criteria: Invitae Variant Classification Sherloc (09022015). Collection method: clinical testing. Allele origin: germline.

Blueprint Genetics
Classification: Uncertain significance. Last evaluated: 2022-09-29. Review status: criteria provided, single submitter. Criteria: ACMG Guidelines, 2015. Collection method: clinical testing. Allele origin: germline.

New York Genome Center
Classification: Uncertain significance for Type 2 diabetes mellitus. Last evaluated: 2022-03-14. Review status: criteria provided, single submitter. Criteria: NYGC Assertion Criteria 2020. Collection method: clinical testing. Allele origin: germline. Observed: 2 heterozygotes. Clinical features observed: Type 2 diabetes mellitus (HP:0005978), Hepatic steatosis (HP:0001397), Seizure (HP:0001250), Hand tremor (HP:0002378). Study: CSER-NYCKidSeq.
Comment: The c.2627A>C (p.Lys876Thr) missense variant in the WFS1 gene identified in exon 8 (of 8) has not been reported in affected individuals in the literature. The variant has 0.000245 allele frequency in the gnomAD (v2.1.1 and v3.1.2) databases (99 heterozygous alleles, no homozygotes), and 0.001607 allele frequency in the African/African American subpopulation represented in the gnomAD(v2) database (40 out of 24884 heterozygous alleles, nohomozygotes). This variant has been reported in the ClinVar database as a variant of uncertain significance [Variation ID: 281647]. The variant affects a conserved residue (Lys876) located in the C-terminus Lumenal domain of the protein (PMID: 34582248). This variant is predicted to be deleterious by multiple in silico prediction tools (CADD score = 33, REVEL score = 0.770) (PMID: 26435059). Based on the available evidence, the c.2627A>C (p.Lys876Thr) missense variant identified in the WFS1 gene is reported as a Variant of Uncertain Significance.

Eurofins Ntd Llc (ga)
Classification: Uncertain significance. Last evaluated: 2015-07-09. Review status: criteria provided, single submitter. Criteria: EGL Classification Definitions 2015. Collection method: clinical testing. Allele origin: germline. Observed: 3 variant alleles, 3 heterozygotes.

Clinical Genetics, Academic Medical Center
Classification: Uncertain significance. Review status: no assertion criteria provided. Collection method: clinical testing. Allele origin: germline. Affected: yes. Study: VKGL Data-share Consensus. Not counted in ClinVar's aggregate classification.

Laboratory of Diagnostic Genome Analysis, Leiden University Medical Center (LUMC)
Classification: Uncertain significance. Review status: no assertion criteria provided. Collection method: clinical testing. Allele origin: germline. Affected: yes. Study: VKGL Data-share Consensus. Not counted in ClinVar's aggregate classification.